The following is an entry in ClinVar:

NM_001142800.2(EYS):c.9190_9191del (p.Leu3064fs)

Genes: EYS (EGF-like photoreceptor maintenance factor; minus strand), PHF3 (PHD finger protein 3; plus strand). Cytogenetic location: 6q12.
Variant type: Deletion.
Coding change: c.9190_9191del on transcript NM_001142800.2 (MANE Select); coding-DNA positions 9190 to 9191, 2 bases deleted (CT; older notation c.9190_9191delCT).
Protein change: p.Leu3064fs; shifts the reading frame from leucine 3064.
Molecular consequence: frameshift variant. On other transcripts: 3 prime UTR variant (5).
Genome position (GRCh38, 1-based): chr6:63,720,840-63,720,841, AG deleted on the plus strand (CT on the coding strand, the reverse complement: EYS is on the minus strand); deleting any 2 consecutive bases within chr6:63,720,840-63,720,842 gives the same sequence; the c. name uses the placement nearest the transcript's 3' end. VCF-style (leftmost placement, unchanged base first): chr6-63720839-TAG-T. GRCh37 (hg19) VCF-style: chr6-64430735-TAG-T.
Other names: c.*7133_*7134del (NM_001290259.2, NM_001370348.2, NM_001370349.2 and 2 more transcripts); c.9253_9254del, p.Leu3085fs (NM_001292009.2); short protein forms L3085fs, L3064fs.
Identifiers: ClinVar variation 1453695 (VCV001453695.8), dbSNP rs1768352205, ClinGen allele CA1633381033.

ClinVar aggregate classification (germline): Pathogenic (1 of 4 stars; one submission).

Submission:

Labcorp Genetics (formerly Invitae), Labcorp
Classification: Pathogenic. Last evaluated: 2021-03-20. Review status: criteria provided, single submitter. Criteria: Invitae Variant Classification Sherloc (09022015). Collection method: clinical testing. Allele origin: germline.
Comment: For these reasons, this variant has been classified as Pathogenic. This variant disrupts the C-terminus of the EYS protein. Other variant(s) that disrupt this region (p.Tyr3135*) have been determined to be pathogenic (PMID: 18976725, 31074760, 29159838, 30337596). This suggests that variants that disrupt this region of the protein are likely to be causative of disease. This variant has not been reported in the literature in individuals with EYS-related conditions. This variant is not present in population databases (ExAC no frequency). This sequence change creates a premature translational stop signal (p.Leu3064Asnfs*7) in the EYS gene. While this is not anticipated to result in nonsense mediated decay, it is expected to disrupt the last 81 amino acid(s) of the EYS protein.

Literature cited by the submitters: PubMed 18976725; PubMed 31074760; PubMed 29159838; PubMed 30337596.